The following is an entry in ClinVar:

NM_000051.4(ATM):c.4560T>G (p.Ile1520Met)

Gene: ATM (ATM serine/threonine kinase; plus strand). Cytogenetic location: 11q22.3.
Variant type: single nucleotide variant.
Coding change: c.4560T>G on transcript NM_000051.4 (MANE Select); coding-DNA position 4560, T replaced by G.
Protein change: p.Ile1520Met; replaces isoleucine 1520 with methionine.
Molecular consequence: missense variant.
Genome position (GRCh38, 1-based): chr11:108,292,742, T>G. VCF-style: chr11-108292742-T-G. GRCh37 (hg19) VCF-style: chr11-108163469-T-G.
Other names: c.4560T>G, p.Ile1520Met (NM_001351834.2); short protein forms I1520M.
Identifiers: ClinVar variation 1741495 (VCV001741495.2), dbSNP rs1057520925, ClinGen allele CA382533856.
Genomic context (GRCh38, chr11:108,292,742, plus strand): 5'-GGTTTGCCAGACAGCCGTGACTTACTGTAAGGATGCTCTAGAAAACCATCTTCATGTTAT[T>G]GTTGGTACACTTATACCCCTTGTGTATGAGCAGGTGGAGGTTCAGAAACAGGTAATTTTC-3'
Protein context (NP_000042.3, residues 1510-1530): KDALENHLHV[Ile1520Met]VGTLIPLVYE

ClinVar aggregate classification (germline): Uncertain significance (1 of 4 stars; one submission).

Conditions:
Hereditary cancer-predisposing syndrome. Also called: Hereditary Cancer Syndrome; Hereditary neoplastic syndrome; Neoplastic Syndromes, Hereditary; Tumor predisposition. Identifiers: Orphanet 140162, MedGen C0027672, MeSH D009386, MONDO:0015356.

Submission:

Ambry Genetics
Classification: Uncertain significance for Hereditary cancer-predisposing syndrome. Last evaluated: 2022-10-27. Review status: criteria provided, single submitter. Criteria: Ambry Variant Classification Scheme 2023. Collection method: clinical testing. Allele origin: germline.
Comment: The p.I1520M variant (also known as c.4560T>G), located in coding exon 29 of the ATM gene, results from a T to G substitution at nucleotide position 4560. The isoleucine at codon 1520 is replaced by methionine, an amino acid with highly similar properties. This amino acid position is conserved. In addition, the in silico prediction for this alteration is inconclusive. Since supporting evidence is limited at this time, the clinical significance of this alteration remains unclear.